The following is an entry in ClinVar:

NM_019066.5(MAGEL2):c.2945_2946del (p.Leu981_Ser982insTer)

Gene: MAGEL2 (MAGE family member L2; minus strand). Cytogenetic location: 15q11.2.
Variant type: Microsatellite.
Coding change: c.2945_2946del on transcript NM_019066.5 (MANE Select); coding-DNA positions 2945 to 2946, 2 bases deleted (CT; older notation c.2945_2946delCT).
Protein change: p.Leu981_Ser982insTer.
Molecular consequence: nonsense.
Genome position (GRCh38, 1-based): chr15:23,644,797-23,644,798, AG deleted on the plus strand (CT on the coding strand, the reverse complement: MAGEL2 is on the minus strand); deleting any 2 consecutive bases within chr15:23,644,797-23,644,803 gives the same sequence; the c. name uses the placement nearest the transcript's 3' end. VCF-style (leftmost placement, unchanged base first): chr15-23644796-CAG-C. GRCh37 (hg19) VCF-style: chr15-23889943-CAG-C.
Identifiers: ClinVar variation 930278 (VCV000930278.3), dbSNP rs1890356742, ClinGen allele CA2164295071.

ClinVar aggregate classification (germline): Likely pathogenic (1 of 4 stars; one submission).

Conditions:
Prader-Willi syndrome (PWS). Identifiers: Orphanet 739, MedGen C0032897, MONDO:0008300, OMIM 176270. Disease mechanism: loss of function, Microdeletion. Inheritance: Microdletion.

Submission:

Centre for Mendelian Genomics, University Medical Centre Ljubljana
Classification: Likely pathogenic for Prader-Willi syndrome. Last evaluated: 2018-11-16. Review status: criteria provided, single submitter. Criteria: ACMG Guidelines, 2015. Collection method: clinical testing. Allele origin: unknown. Affected: yes.
Comment: This variant was classified as: Likely pathogenic. The following ACMG criteria were applied in classifying this variant: PVS1,PM2.